The following is an entry in ClinVar:

NM_001378454.1(ALMS1):c.10238_10239insCCAGA (p.Glu3413fs)

Gene: ALMS1 (ALMS1 centrosome and basal body associated protein; plus strand). Cytogenetic location: 2p13.1.
Variant type: Insertion.
Coding change: c.10238_10239insCCAGA on transcript NM_001378454.1 (MANE Select); coding-DNA positions 10238 to 10239, CCAGA inserted.
Protein change: p.Glu3413fs; shifts the reading frame from glutamic acid 3413.
Molecular consequence: frameshift variant.
Genome position: GRCh38 VCF-style: chr2-73558992-G-GCAGAC. GRCh37 (hg19) VCF-style: chr2-73786119-G-GCAGAC.
Other names: c.10241_10242insCCAGA, p.Glu3414fs (NM_015120.4); short protein forms E3413fs, E3414fs.
Identifiers: ClinVar variation 5006333 (VCV005006333.2).

ClinVar aggregate classification (germline): Likely pathogenic (1 of 4 stars; one submission).

Conditions:
Alstrom syndrome (ALMS). Identifiers: Orphanet 64, MedGen C0268425, MONDO:0008763, OMIM 203800.

Submission:

Juno Genomics, Hangzhou Juno Genomics, Inc
Classification: Likely pathogenic for Alstrom syndrome. Review status: criteria provided, single submitter. Criteria: ACMG Guidelines, 2015. Collection method: clinical testing. Allele origin: germline.
Comment: Null variant in a gene where loss of function (LOF) is a known mechanism of disease.;Absent from controls (or at extremely low frequency if recessive) in Genome Aggregation Database.